The following is an entry in ClinVar:

ClinVar aggregate classification (germline): Likely benign. Review status: criteria provided, multiple submitters, no conflicts (2 of 4 stars). 4 submissions from 4 submitters: Likely benign (4). Last evaluated 2026-06-01.

Allele frequency attached by ClinVar (database versions not stated): gnomAD exomes 0.00056 and 0.00080; gnomAD 0.00061 and 0.00062; ExAC 0.00070; TOPMed 0.00071; ESP Exome Variant Server 0.00100.
gnomAD v4.1: 969 of 1,602,492 alleles (0.06%); highest among the groups gnomAD compares: Middle Eastern, 0.93%; 1 homozygote.

Submissions (4):

CeGaT Center for Human Genetics Tuebingen
Classification: Likely benign. Last evaluated: 2026-06-01. Review status: criteria provided, single submitter. Criteria: CeGaT Center For Human Genetics Tuebingen Variant Classification Criteria Version 2. Collection method: clinical testing. Allele origin: germline. Affected: yes. Observed: 4 variant alleles.
Comment: CRB2: BP4, BP7

Labcorp Genetics (formerly Invitae), Labcorp
Classification: Likely benign. Last evaluated: 2025-12-30. Review status: criteria provided, single submitter. Criteria: Invitae Variant Classification Sherloc (09022015). Collection method: clinical testing. Allele origin: germline.

Blueprint Genetics
Classification: Likely benign. Last evaluated: 2024-11-15. Review status: criteria provided, single submitter. Criteria: ACMG Guidelines, 2015. Collection method: clinical testing. Allele origin: germline.

Breakthrough Genomics
Classification: Likely benign. Review status: criteria provided, single submitter. Criteria: ACMG Guidelines, 2015. Collection method: not provided. Allele origin: germline. Inheritance: Autosomal recessive inheritance. Affected: yes.

NM_173689.7(CRB2):c.870C>T (p.Ala290=)

Gene: CRB2 (crumbs cell polarity complex component 2; plus strand). Cytogenetic location: 9q33.3.
Variant type: single nucleotide variant.
Coding change: c.870C>T on transcript NM_173689.7 (MANE Select); coding-DNA position 870, C replaced by T.
Protein change: p.Ala290=; no amino-acid change (alanine 290 retained).
Molecular consequence: synonymous variant.
Genome position (GRCh38, 1-based): chr9:123,367,287, C>T. VCF-style: chr9-123367287-C-T. GRCh37 (hg19) VCF-style: chr9-126129566-C-T.
Identifiers: ClinVar variation 709264 (VCV000709264.52), dbSNP rs143804347, ClinGen allele CA5231825.
Genomic context (GRCh38, chr9:123,367,287, plus strand): 5'-CCAGCATGGGGGCCGATGCCTGCAGCGCTCTGACCCGGCCCTCTACGGGGGTGTCCAGGC[C>T]GCCTTCCCTGGCGCCTTCAGCTTCCGCCATGCTGCGGGTTTCCTGTGCCACTGCCCTCCT-3'
Protein context (NP_775960.4, residues 280-300): SDPALYGGVQ[Ala290=]AFPGAFSFRH